The following is an entry in ClinVar:

ClinVar aggregate classification (germline): Conflicting classifications of pathogenicity. Review status: criteria provided, conflicting classifications (1 of 4 stars). 3 submissions from 3 submitters: Uncertain significance (2); Likely benign (1). Last evaluated 2024-09-25.

Conditions:
Hereditary breast ovarian cancer syndrome. Also called: Hereditary breast and ovarian cancer syndrome (HBOC); Hereditary breast and ovarian cancer syndrome; Breast and ovarian cancer; Hereditary breast and/or ovarian cancer syndrome; Hereditary breast and ovarian cancer; BRCA1- and BRCA2-Associated Hereditary Breast and Ovarian Cancer. Identifiers: Orphanet 145, MedGen C0677776, MeSH D061325, MONDO:0003582. Disease mechanism: loss of function.
Hereditary cancer-predisposing syndrome. Also called: Neoplastic Syndromes, Hereditary; Hereditary Cancer Syndrome; Hereditary neoplastic syndrome; Tumor predisposition. Identifiers: Orphanet 140162, MedGen C0027672, MeSH D009386, MONDO:0015356.

Allele frequency attached by ClinVar (database versions not stated): TOPMed 0.00001.
gnomAD v4.1: 1 of 1,613,890 alleles (0.000062%); highest among the groups gnomAD compares: African/African-American, 0.0013%; no homozygotes.

Submissions (3):

Labcorp Genetics (formerly Invitae), Labcorp
Classification: Uncertain significance for Hereditary breast ovarian cancer syndrome. Last evaluated: 2024-09-25. Review status: criteria provided, single submitter. Criteria: Invitae Variant Classification Sherloc (09022015). Collection method: clinical testing. Allele origin: germline.
Comment: This sequence change replaces aspartic acid, which is acidic and polar, with valine, which is neutral and non-polar, at codon 1601 of the BRCA2 protein (p.Asp1601Val). This variant is not present in population databases (gnomAD no frequency). This variant has not been reported in the literature in individuals affected with BRCA2-related conditions. ClinVar contains an entry for this variant (Variation ID: 462359). Invitae Evidence Modeling of protein sequence and biophysical properties (such as structural, functional, and spatial information, amino acid conservation, physicochemical variation, residue mobility, and thermodynamic stability) indicates that this missense variant is not expected to disrupt BRCA2 protein function with a negative predictive value of 95%. In summary, the available evidence is currently insufficient to determine the role of this variant in disease. Therefore, it has been classified as a Variant of Uncertain Significance.

University of Washington Department of Laboratory Medicine, University of Washington
Classification: Likely benign for Hereditary cancer-predisposing syndrome. Last evaluated: 2023-03-23. Review status: criteria provided, single submitter. Criteria: Dines et al. (Genet Med. 2020). Collection method: curation. Allele origin: germline.
Comment: Missense variant in a coldspot region where missense variants are very unlikely to be pathogenic (PMID:31911673).

BRCA2 exon 11 coldspot. Reclassification based on statistical prior probability.

Ambry Genetics
Classification: Uncertain significance for Hereditary cancer-predisposing syndrome. Last evaluated: 2018-01-23. Review status: criteria provided, single submitter. Criteria: Ambry Variant Classification Scheme 2023. Collection method: clinical testing. Allele origin: germline.
Comment: The p.D1601V variant (also known as c.4802A>T), located in coding exon 10 of the BRCA2 gene, results from an A to T substitution at nucleotide position 4802. The aspartic acid at codon 1601 is replaced by valine, an amino acid with highly dissimilar properties. This amino acid position is poorly conserved in available vertebrate species. In addition, this alteration is predicted to be tolerated by in silico analysis. Since supporting evidence is limited at this time, the clinical significance of this alteration remains unclear.

NM_000059.4(BRCA2):c.4802A>T (p.Asp1601Val)

Gene: BRCA2 (BRCA2 DNA repair associated; plus strand). Cytogenetic location: 13q13.1.
Variant type: single nucleotide variant.
Coding change: c.4802A>T on transcript NM_000059.4 (MANE Select); coding-DNA position 4802, A replaced by T.
Protein change: p.Asp1601Val; replaces aspartic acid 1601 with valine.
Molecular consequence: missense variant.
Genome position (GRCh38, 1-based): chr13:32,339,157, A>T. VCF-style: chr13-32339157-A-T. GRCh37 (hg19) VCF-style: chr13-32913294-A-T.
Other names: short protein forms D1601V.
Identifiers: ClinVar variation 462359 (VCV000462359.12), dbSNP rs80358704, ClinGen allele CA387783260.